The following is an entry in ClinVar:

ClinVar aggregate classification (germline): Likely benign. Review status: criteria provided, multiple submitters, no conflicts (2 of 4 stars). 3 submissions from 3 submitters: Likely benign (3). Last evaluated 2025-12-09.

Conditions:
RNASEH1-related disorder. Also called: RNASEH1-related condition.

Allele frequency attached by ClinVar (database versions not stated): gnomAD exomes 0.00006 and 0.00024; gnomAD 0.00008; TOPMed 0.00018; 1000 Genomes Project 0.00020; ExAC 0.00023; 1000 Genomes Project 30x 0.00047.
gnomAD v4.1: 99 of 1,611,552 alleles (0.0061%); highest among the groups gnomAD compares: East Asian, 0.2%; no homozygotes.

Submissions (3):

Labcorp Genetics (formerly Invitae), Labcorp
Classification: Likely benign. Last evaluated: 2025-12-09. Review status: criteria provided, single submitter. Criteria: Invitae Variant Classification Sherloc (09022015). Collection method: clinical testing. Allele origin: germline.

PreventionGenetics, part of Exact Sciences
Classification: Likely benign for RNASEH1-related condition. Last evaluated: 2025-04-29. Review status: criteria provided, single submitter. Criteria: ACMG Guidelines, 2015. Collection method: clinical testing. Allele origin: germline.
Comment: This variant is classified as likely benign based on ACMG/AMP sequence variant interpretation guidelines (Richards et al. 2015 PMID: 25741868, with internal and published modifications).

GeneDx
Classification: Likely benign. Last evaluated: 2021-04-07. Review status: criteria provided, single submitter. Criteria: GeneDx Variant Classification Process June 2021. Collection method: clinical testing. Allele origin: germline. Affected: yes.

NM_002936.6(RNASEH1):c.569C>T (p.Ala190Val)

Gene: RNASEH1 (ribonuclease H1; minus strand). Cytogenetic location: 2p25.3.
Variant type: single nucleotide variant.
Coding change: c.569C>T on transcript NM_002936.6 (MANE Select); coding-DNA position 569, C replaced by T.
Protein change: p.Ala190Val; replaces alanine 190 with valine.
Molecular consequence: missense variant. On other transcripts: non-coding transcript variant (7).
Genome position (GRCh38, 1-based): chr2:3,548,720, G>A on the plus strand (C>T on the coding strand, the complement: RNASEH1 is on the minus strand). VCF-style: chr2-3548720-G-A. GRCh37 (hg19) VCF-style: chr2-3596310-G-A.
Other names: c.491C>T, p.Ala164Val (NM_001286834.3); c.218C>T, p.Ala73Val (NM_001286837.3); c.569C>T, p.Ala190Val (NM_001378271.1); c.566C>T, p.Ala189Val (NM_001378272.1); c.554C>T, p.Ala185Val (NM_001378273.1); short protein forms A164V, A185V, A189V, A190V, A73V.
Identifiers: ClinVar variation 1202249 (VCV001202249.9), dbSNP rs200811242, ClinGen allele CA1516194.